The following is an entry in ClinVar:

ClinVar aggregate classification (germline): Uncertain significance. Review status: criteria provided, multiple submitters, no conflicts (2 of 4 stars). 3 submissions from 3 submitters: Uncertain significance (3). Last evaluated 2025-04-03.

Conditions:
Inborn genetic diseases. Identifiers: MedGen C0950123, MeSH D030342.

Allele frequency attached by ClinVar (database versions not stated): TOPMed 0.00002; gnomAD 0.00003.
gnomAD v4.1: 22 of 1,613,016 alleles (0.0014%); highest among the groups gnomAD compares: African/African-American, 0.008%; no homozygotes.

Submissions (3):

Ambry Genetics
Classification: Uncertain significance for Inborn genetic diseases. Last evaluated: 2025-04-03. Review status: criteria provided, single submitter. Criteria: Ambry Variant Classification Scheme 2023. Collection method: clinical testing. Allele origin: germline.

Athena Diagnostics
Classification: Uncertain significance. Last evaluated: 2024-12-10. Review status: criteria provided, single submitter. Criteria: Athena Diagnostics Criteria. Collection method: clinical testing. Allele origin: unknown.
Comment: Available data are insufficient to determine the clinical significance of the variant at this time. The frequency of this variant in the general population is uninformative in assessment of its pathogenicity. At least one other missense variant at this codon is considered to be benign or likely benign, suggesting this variant may not cause disease. Polyphen and MutationTaster predict this amino acid change may be benign.

Revvity Omics, Revvity
Classification: Uncertain significance. Last evaluated: 2019-10-09. Review status: criteria provided, single submitter. Criteria: ACMG Guidelines, 2015. Collection method: clinical testing. Allele origin: germline.

NM_005529.7(HSPG2):c.7439G>A (p.Arg2480Gln)

Gene: HSPG2 (heparan sulfate proteoglycan 2; minus strand). Cytogenetic location: 1p36.12.
Variant type: single nucleotide variant.
Coding change: c.7439G>A on transcript NM_005529.7 (MANE Select); coding-DNA position 7439, G replaced by A.
Protein change: p.Arg2480Gln; replaces arginine 2480 with glutamine.
Molecular consequence: missense variant.
Genome position (GRCh38, 1-based): chr1:21,850,048, C>T on the plus strand (G>A on the coding strand, the complement: HSPG2 is on the minus strand). VCF-style: chr1-21850048-C-T. GRCh37 (hg19) VCF-style: chr1-22176541-C-T.
Other names: c.7442G>A, p.Arg2481Gln (NM_001291860.2); c.7439G>A (NM_005529.6); short protein forms R2480Q, R2481Q.
Identifiers: ClinVar variation 2432624 (VCV002432624.5), dbSNP rs773374399, ClinGen allele CA671189.